The following is an entry in ClinVar:

ClinVar aggregate classification (germline): Conflicting classifications of pathogenicity. Review status: criteria provided, conflicting classifications (1 of 4 stars). 7 submissions from 3 submitters: Uncertain significance (3); Likely benign (4). Last evaluated 2025-09-28.

Conditions:
Cardiovascular phenotype. Identifiers: MedGen CN230736.
Dilated cardiomyopathy 1G (CMD1G). Identifiers: Orphanet 154, MedGen C1858763, MONDO:0011400, OMIM 604145.
Autosomal recessive limb-girdle muscular dystrophy type 2J (LGMDR10). Also called: MUSCULAR DYSTROPHY, LIMB-GIRDLE, AUTOSOMAL RECESSIVE 10; Limb-girdle muscular dystrophy, type 2J. Identifiers: Orphanet 140922, MedGen C1837342, MONDO:0012127, OMIM 608807.
Early-onset myopathy with fatal cardiomyopathy (CMYO5). Also called: CONGENITAL MYOPATHY 5 WITH CARDIOMYOPATHY; Salih Myopathy. Identifiers: Orphanet 289377, MedGen C2673677, MONDO:0012714, OMIM 611705. Disease mechanism: loss of function.
Tibial muscular dystrophy (TMD). Also called: Udd Distal Myopathy – Tibial Muscular Dystrophy; UDD MYOPATHY; Tibial muscular dystrophy, tardive. Identifiers: Orphanet 609, MedGen C1838244, MONDO:0010870, OMIM 600334.
Myopathy, myofibrillar, 9, with early respiratory failure (MFM9). Also called: Myopathy, distal, with early respiratory failure, autosomal dominant; Hereditary myopathy with early respiratory failure; EDSTROM MYOPATHY; MYOPATHY, PROXIMAL, WITH EARLY RESPIRATORY MUSCLE INVOLVEMENT. Identifiers: Orphanet 178464, Orphanet 34521, MedGen C1863599, MONDO:0011362, OMIM 603689.

Allele frequency attached by ClinVar (database versions not stated): gnomAD 0.00001 and 0.00002; gnomAD exomes 0.00001 and 0.00003; ExAC 0.00003; TOPMed 0.00003; 1000 Genomes Project 30x 0.00016.
gnomAD v4.1: 17 of 1,613,300 alleles (0.0011%); highest among the groups gnomAD compares: East Asian, 0.025%; no homozygotes.

Submissions (7):

Labcorp Genetics (formerly Invitae), Labcorp
Classification: Likely benign for Dilated cardiomyopathy 1G; Autosomal recessive limb-girdle muscular dystrophy type 2J. Last evaluated: 2025-09-28. Review status: criteria provided, single submitter. Criteria: Invitae Variant Classification Sherloc (09022015). Collection method: clinical testing. Allele origin: germline.

Ambry Genetics
Classification: Likely benign for Cardiovascular phenotype. Last evaluated: 2024-04-28. Review status: criteria provided, single submitter. Criteria: Ambry Variant Classification Scheme 2023. Collection method: clinical testing. Allele origin: germline.

Illumina Laboratory Services, Illumina
Classification: Uncertain significance for Dilated cardiomyopathy 1G. Last evaluated: 2018-01-12. Review status: criteria provided, single submitter. Criteria: ICSL Variant Classification Criteria 13 December 2019. Collection method: clinical testing. Allele origin: germline.

Illumina Laboratory Services, Illumina
Classification: Likely benign for Myopathy, myofibrillar, 9, with early respiratory failure. Last evaluated: 2018-01-12. Review status: criteria provided, single submitter. Criteria: ICSL Variant Classification Criteria 13 December 2019. Collection method: clinical testing. Allele origin: germline.
Comment: This variant was observed in the ICSL laboratory as part of a predisposition screen in an ostensibly healthy population. It had not been previously curated by ICSL or reported in the Human Gene Mutation Database (HGMD: prior to June 1st, 2018), and was therefore a candidate for classification through an automated scoring system. Utilizing variant allele frequency, disease prevalence and penetrance estimates, and inheritance mode, an automated score was calculated to assess if this variant is too frequent to cause the disease. Based on the score and internal cut-off values, a variant classified as likely benign is not then subjected to further curation. The score for this variant resulted in a classification of likely benign for this disease.

Illumina Laboratory Services, Illumina
Classification: Uncertain significance for Autosomal recessive limb-girdle muscular dystrophy type 2J. Last evaluated: 2018-01-12. Review status: criteria provided, single submitter. Criteria: ICSL Variant Classification Criteria 13 December 2019. Collection method: clinical testing. Allele origin: germline.

Illumina Laboratory Services, Illumina
Classification: Uncertain significance for Early-onset myopathy with fatal cardiomyopathy. Last evaluated: 2018-01-12. Review status: criteria provided, single submitter. Criteria: ICSL Variant Classification Criteria 13 December 2019. Collection method: clinical testing. Allele origin: germline.

Illumina Laboratory Services, Illumina
Classification: Likely benign for Tibial muscular dystrophy. Last evaluated: 2018-01-12. Review status: criteria provided, single submitter. Criteria: ICSL Variant Classification Criteria 13 December 2019. Collection method: clinical testing. Allele origin: germline.
Comment: the same text as in the submission from Illumina Laboratory Services, Illumina above.

NM_001267550.2(TTN):c.77649C>T (p.Ile25883=)

Genes: TTN (titin; minus strand), TTN-AS1 (TTN antisense RNA 1; plus strand). Cytogenetic location: 2q31.2.
Variant type: single nucleotide variant.
Coding change: c.77649C>T on transcript NM_001267550.2 (MANE Select); coding-DNA position 77649, C replaced by T.
Protein change: p.Ile25883=; no amino-acid change (isoleucine 25883 retained).
Molecular consequence: synonymous variant.
Genome position (GRCh38, 1-based): chr2:178,568,483, G>A on the plus strand (C>T on the coding strand, the complement: TTN is on the minus strand). VCF-style: chr2-178568483-G-A. GRCh37 (hg19) VCF-style: chr2-179433210-G-A.
Other names: c.72726C>T, p.Ile24242= (NM_001256850.1); c.50454C>T, p.Ile16818= (NM_003319.4); c.69945C>T, p.Ile23315= (NM_133378.4); c.50829C>T, p.Ile16943= (NM_133432.3); c.51030C>T, p.Ile17010= (NM_133437.4).
Identifiers: ClinVar variation 332774 (VCV000332774.14), dbSNP rs747430905, ClinGen allele CA1989736.